The following is an entry in ClinVar:

ClinVar aggregate classification (germline): Uncertain significance. Review status: criteria provided, multiple submitters, no conflicts (2 of 4 stars). 2 submissions from 2 submitters: Uncertain significance (2). Last evaluated 2022-01-31.

gnomAD v4.1: 1 of 1,613,058 alleles (0.000062%); highest among the groups gnomAD compares: Non-Finnish European, 0.000085%; no homozygotes.

Submissions (2):

GeneDx
Classification: Uncertain significance. Last evaluated: 2022-01-31. Review status: criteria provided, single submitter. Criteria: GeneDx Variant Classification Process June 2021. Collection method: clinical testing. Allele origin: germline. Affected: yes.
Comment: Not observed at significant frequency in large population cohorts (gnomAD); Missense variant in a gene in which most reported pathogenic variants are truncating/loss-of-function; Has not been previously published as pathogenic or benign to our knowledge; This variant is associated with the following publications: (PMID: 23975875)

Mayo Clinic Laboratories, Mayo Clinic
Classification: Uncertain significance. Last evaluated: 2021-11-12. Review status: criteria provided, single submitter. Criteria: ACMG Guidelines, 2015. Collection method: clinical testing. Allele origin: germline.

NM_001267550.2(TTN):c.44212C>G (p.Leu14738Val)

Gene: TTN (titin; minus strand). Cytogenetic location: 2q31.2.
Variant type: single nucleotide variant.
Coding change: c.44212C>G on transcript NM_001267550.2 (MANE Select); coding-DNA position 44212, C replaced by G.
Protein change: p.Leu14738Val; replaces leucine 14738 with valine.
Molecular consequence: missense variant.
Genome position (GRCh38, 1-based): chr2:178,630,310, G>C on the plus strand (C>G on the coding strand, the complement: TTN is on the minus strand). VCF-style: chr2-178630310-G-C. GRCh37 (hg19) VCF-style: chr2-179495037-G-C.
Other names: p.Leu12170Val; c.39289C>G, p.Leu13097Val (NM_001256850.1); c.17017C>G, p.Leu5673Val (NM_003319.4); c.36508C>G, p.Leu12170Val (NM_133378.4); c.17392C>G, p.Leu5798Val (NM_133432.3); c.17593C>G, p.Leu5865Val (NM_133437.4); c.44212C>G (NM_001267550.1); short protein forms L12170V, L13097V, L14738V, L5673V, L5798V, L5865V.
Identifiers: ClinVar variation 1693842 (VCV001693842.6), dbSNP rs2154219916, ClinGen allele CA349645523.